The following is an entry in ClinVar:

ClinVar aggregate classification (germline): Uncertain significance (1 of 4 stars; one submission).

Submission:

Ambry Genetics
Classification: Uncertain significance. Last evaluated: 2021-11-30. Review status: criteria provided, single submitter. Criteria: Ambry Variant Classification Scheme 2023. Collection method: clinical testing. Allele origin: germline.
Comment: The p.D387A variant (also known as c.1160A>C), located in coding exon 11 of the KIF1B gene, results from an A to C substitution at nucleotide position 1160. The aspartic acid at codon 387 is replaced by alanine, an amino acid with dissimilar properties. This amino acid position is highly conserved in available vertebrate species. In addition, the in silico prediction for this alteration is inconclusive. Since supporting evidence is limited at this time, the clinical significance of this alteration remains unclear.

NM_001365951.3(KIF1B):c.1178A>C (p.Asp393Ala)

Gene: KIF1B (kinesin family member 1B; plus strand). Cytogenetic location: 1p36.22.
Variant type: single nucleotide variant.
Coding change: c.1178A>C on transcript NM_001365951.3 (MANE Select); coding-DNA position 1178, A replaced by C.
Protein change: p.Asp393Ala; replaces aspartic acid 393 with alanine.
Molecular consequence: missense variant.
Genome position (GRCh38, 1-based): chr1:10,278,126, A>C. VCF-style: chr1-10278126-A-C. GRCh37 (hg19) VCF-style: chr1-10338184-A-C.
Other names: c.1178A>C, p.Asp393Ala (NM_001365952.1); c.1160A>C, p.Asp387Ala (NM_001365953.1, NM_015074.3, NM_183416.4); short protein forms D393A, D387A.
Identifiers: ClinVar variation 1736542 (VCV001736542.2), dbSNP rs2521198659, ClinGen allele CA338334645.
Genomic context (GRCh38, chr1:10,278,126, plus strand): 5'-AGGAGGAGGTGACACGGCTGAAGGACCTTCTTCGTGCTCAGGGCCTGGGAGATATTATTG[A>C]TAGTAAGTGAATTAAGGATCGTTACAAAATCTAATCCTTTCTTCTTCAGGGTTCTTATTC-3'
Protein context (NP_001352880.1, residues 383-403): LRAQGLGDII[Asp393Ala]IDPLIDDYSG